The following is an entry in ClinVar:

ClinVar aggregate classification (germline): Conflicting classifications of pathogenicity. Review status: criteria provided, conflicting classifications (1 of 4 stars). 2 submissions from 2 submitters: Uncertain significance (1); Likely benign (1). Last evaluated 2023-04-01.

Allele frequency attached by ClinVar (database versions not stated): ESP Exome Variant Server 0.00008; ExAC 0.00021; 1000 Genomes Project 0.00040; 1000 Genomes Project 30x 0.00047.

Submissions (2):

CeGaT Center for Human Genetics Tuebingen
Classification: Likely benign. Last evaluated: 2023-04-01. Review status: criteria provided, single submitter. Criteria: CeGaT Center For Human Genetics Tuebingen Variant Classification Criteria Version 2. Collection method: clinical testing. Allele origin: germline. Affected: yes. Observed: 1 variant allele.
Comment: AHNAK2: BP4, BS2

Ambry Genetics
Classification: Uncertain significance. Last evaluated: 2021-06-23. Review status: criteria provided, single submitter. Criteria: Ambry Variant Classification Scheme 2023. Collection method: clinical testing. Allele origin: germline.

NM_138420.4(AHNAK2):c.4510G>A (p.Gly1504Arg)

Gene: AHNAK2 (AHNAK nucleoprotein 2; minus strand). Cytogenetic location: 14q32.33.
Variant type: single nucleotide variant.
Coding change: c.4510G>A on transcript NM_138420.4 (MANE Select); coding-DNA position 4510, G replaced by A.
Protein change: p.Gly1504Arg; replaces glycine 1504 with arginine.
Molecular consequence: missense variant.
Genome position (GRCh38, 1-based): chr14:104,950,941, C>T on the plus strand (G>A on the coding strand, the complement: AHNAK2 is on the minus strand). VCF-style: chr14-104950941-C-T. GRCh37 (hg19) VCF-style: chr14-105417278-C-T.
Other names: c.4210G>A, p.Gly1404Arg (NM_001350929.2); short protein forms G1404R, G1504R.
Identifiers: ClinVar variation 2377989 (VCV002377989.26), dbSNP rs371283140, ClinGen allele CA7382425.